The following is an entry in ClinVar:

ClinVar aggregate classification (germline): Uncertain significance (1 of 4 stars; one submission).

Submission:

GeneDx
Classification: Uncertain significance. Last evaluated: 2022-07-19. Review status: criteria provided, single submitter. Criteria: GeneDx Variant Classification Process June 2021. Collection method: clinical testing. Allele origin: germline. Affected: yes.
Comment: Not observed at significant frequency in large population cohorts (gnomAD); In silico analysis supports that this variant does not alter splicing; Has not been previously published as pathogenic or benign to our knowledge

NM_001378414.1(HDAC4):c.339+4_339+13del

Gene: HDAC4 (histone deacetylase 4; minus strand). Cytogenetic location: 2q37.3.
Variant type: Deletion.
Coding change: c.339+4_339+13del on transcript NM_001378414.1 (MANE Select); bases 4 to 13 of the intron after coding-DNA position 339, 10 bases deleted (AGGCGCGGTG; older notation c.339+4_339+13delAGGCGCGGTG).
Molecular consequence: splice donor variant.
Genome position (GRCh38, 1-based): chr2:239,189,820-239,189,829, CACCGCGCCT deleted on the plus strand (AGGCGCGGTG on the coding strand, the reverse complement: HDAC4 is on the minus strand); deleting any 10 consecutive bases within chr2:239,189,820-239,189,833 gives the same sequence; the c. name uses the placement nearest the transcript's 3' end. VCF-style (leftmost placement, unchanged base first): chr2-239189819-GCACCGCGCCT-G. GRCh37 (hg19) VCF-style: chr2-240111515-GCACCGCGCCT-G.
Other names: c.339+4_339+13del (NM_001378417.1, NM_001378415.1, NM_001378416.1 and 1 more transcripts).
Identifiers: ClinVar variation 2136255 (VCV002136255.1), dbSNP rs2473652709, ClinGen allele CA2580067953.